The following is an entry in ClinVar:

ClinVar aggregate classification (germline): Uncertain significance (1 of 4 stars; one submission).

Allele frequency attached by ClinVar (database versions not stated): gnomAD 0.00001 and 0.00002; gnomAD exomes 0.00001 and 0.00002; TOPMed 0.00003; ExAC 0.00004; ESP Exome Variant Server 0.00008.
gnomAD v4.1: 20 of 1,614,044 alleles (0.0012%); highest among the groups gnomAD compares: Admixed American, 0.0017%; no homozygotes.

Submission:

Labcorp Genetics (formerly Invitae), Labcorp
Classification: Uncertain significance. Last evaluated: 2021-08-24. Review status: criteria provided, single submitter. Criteria: Invitae Variant Classification Sherloc (09022015). Collection method: clinical testing. Allele origin: germline.
Comment: This sequence change replaces proline with serine at codon 1463 of the RUSC2 protein (p.Pro1463Ser). The proline residue is highly conserved and there is a moderate physicochemical difference between proline and serine. This variant is present in population databases (rs140944136, ExAC 0.008%). This variant has not been reported in the literature in individuals affected with RUSC2-related conditions. Algorithms developed to predict the effect of missense changes on protein structure and function are either unavailable or do not agree on the potential impact of this missense change (SIFT: "Deleterious"; PolyPhen-2: "Probably Damaging"; Align-GVGD: "Class C0"). In summary, the available evidence is currently insufficient to determine the role of this variant in disease. Therefore, it has been classified as a Variant of Uncertain Significance.

NM_014806.5(RUSC2):c.4387C>T (p.Pro1463Ser)

Gene: RUSC2 (RUN and SH3 domain containing 2; plus strand). Cytogenetic location: 9p13.3.
Variant type: single nucleotide variant.
Coding change: c.4387C>T on transcript NM_014806.5 (MANE Select); coding-DNA position 4387, C replaced by T.
Protein change: p.Pro1463Ser; replaces proline 1463 with serine.
Molecular consequence: missense variant. On other transcripts: non-coding transcript variant (1).
Genome position (GRCh38, 1-based): chr9:35,561,218, C>T. VCF-style: chr9-35561218-C-T. GRCh37 (hg19) VCF-style: chr9-35561215-C-T.
Other names: c.4387C>T, p.Pro1463Ser (NM_001135999.2); c.1753C>T, p.Pro585Ser (NM_001330740.2); short protein forms P585S, P1463S.
Identifiers: ClinVar variation 1376095 (VCV001376095.3), dbSNP rs140944136, ClinGen allele CA5044395.